The following is an entry in ClinVar:

NM_003705.5(SLC25A12):c.274_276del (p.Ile92del)

Gene: SLC25A12 (solute carrier family 25 member 12; minus strand). Cytogenetic location: 2q31.1.
Variant type: Deletion.
Coding change: c.274_276del on transcript NM_003705.5 (MANE Select); coding-DNA positions 274 to 276, 3 bases deleted (ATA; older notation c.274_276delATA).
Protein change: p.Ile92del; deletes isoleucine 92.
Genome position (GRCh38, 1-based): chr2:171,855,883-171,855,885, TAT deleted on the plus strand (ATA on the coding strand, the reverse complement: SLC25A12 is on the minus strand). VCF-style (leftmost placement, unchanged base first): chr2-171855882-CTAT-C. GRCh37 (hg19) VCF-style: chr2-172712392-CTAT-C.
Other names: short protein forms I92del.
Identifiers: ClinVar variation 3391365 (VCV003391365.1).

ClinVar aggregate classification (germline): Uncertain significance (1 of 4 stars; one submission).

Conditions:
Developmental and epileptic encephalopathy, 39 (DEE39). Also called: DEVELOPMENTAL AND EPILEPTIC ENCEPHALOPATHY 39 WITH LEUKODYSTROPHY. Identifiers: Orphanet 353217, MedGen C2751855, MONDO:0013056, OMIM 612949.

Submission:

Neuberg Centre For Genomic Medicine, NCGM
Classification: Uncertain significance for Developmental and epileptic encephalopathy, 39. Last evaluated: 2023-07-22. Review status: criteria provided, single submitter. Criteria: ACMG Guidelines, 2015. Collection method: clinical testing. Allele origin: germline. Inheritance: Autosomal recessive inheritance. Affected: yes.
Comment: The inframe deletion c.274_276delp.Ile92del variant in SLC25A12 gene has not been reported previously as a pathogenic variant nor as a benign variant, to our knowledge. The p.Ile92del variant is absent in gnomAD Exomes. This variant has not been submitted to the ClinVar database. This p.Ile92del causes deletion of amino acid Isoleucine at position 92. For these reasons, this variant has been classified as Variant of Uncertain Significance VUS.